The following is an entry in ClinVar:

NM_000540.3(RYR1):c.5815-123G>A

Gene: RYR1 (ryanodine receptor 1; plus strand). Cytogenetic location: 19q13.2.
Variant type: single nucleotide variant.
Coding change: c.5815-123G>A on transcript NM_000540.3 (MANE Select); 123 bases into the intron before coding-DNA position 5815, G replaced by A.
Molecular consequence: intron variant.
Genome position (GRCh38, 1-based): chr19:38,489,953, G>A. VCF-style: chr19-38489953-G-A. GRCh37 (hg19) VCF-style: chr19-38980593-G-A.
Other names: c.5815-123G>A (NM_001042723.2).
Identifiers: ClinVar variation 669196 (VCV000669196.2), dbSNP rs11880126, ClinGen allele CA14675927.

ClinVar aggregate classification (germline): Benign. Review status: criteria provided, multiple submitters, no conflicts (2 of 4 stars). 2 submissions from 2 submitters: Benign (2). Last evaluated 2018-06-14.

Allele frequency attached by ClinVar (database versions not stated): gnomAD exomes 0.05492; gnomAD 0.10204 and 0.10629; 1000 Genomes Project 0.10323; TOPMed 0.10534; 1000 Genomes Project 30x 0.10665.

Submissions (2):

GeneDx
Classification: Benign. Last evaluated: 2018-06-14. Review status: criteria provided, single submitter. Criteria: GeneDx Variant Classification (06012015). Collection method: clinical testing. Allele origin: germline. Affected: yes.
Comment: This variant is considered likely benign or benign based on one or more of the following criteria: it is a conservative change, it occurs at a poorly conserved position in the protein, it is predicted to be benign by multiple in silico algorithms, and/or has population frequency not consistent with disease.

Breakthrough Genomics
Classification: Benign. Review status: criteria provided, single submitter. Criteria: ACMG Guidelines, 2015. Collection method: not provided. Allele origin: germline. Inheritance: Autosomal recessive inheritance. Affected: yes.